The following is an entry in ClinVar:

ClinVar aggregate classification (germline): Pathogenic. Review status: criteria provided, multiple submitters, no conflicts (2 of 4 stars). 2 submissions from 2 submitters: Pathogenic (2). Last evaluated 2024-11-18.

Conditions:
Cone-rod dystrophy 13 (CORD13). Identifiers: Orphanet 1872, MedGen C2750720, MONDO:0011987, OMIM 608194.
Leber congenital amaurosis 6 (LCA6). Identifiers: Orphanet 65, MedGen C1854260, MONDO:0013446, OMIM 613826.

gnomAD v4.1: 6 of 1,566,926 alleles (0.00038%); highest among the groups gnomAD compares: Non-Finnish European, 0.00052%; no homozygotes.

Submissions (2):

Labcorp Genetics (formerly Invitae), Labcorp
Classification: Pathogenic for Leber congenital amaurosis 6; Cone-rod dystrophy 13. Last evaluated: 2024-11-18. Review status: criteria provided, single submitter. Criteria: Invitae Variant Classification Sherloc (09022015). Collection method: clinical testing. Allele origin: germline.
Comment: This sequence change affects a donor splice site in intron 15 of the RPGRIP1 gene. It is expected to disrupt RNA splicing. Variants that disrupt the donor or acceptor splice site typically lead to a loss of protein function (PMID: 16199547), and loss-of-function variants in RPGRIP1 are known to be pathogenic (PMID: 11528500, 23105016). This variant is not present in population databases (gnomAD no frequency). Disruption of this splice site has been observed in individuals with clinical features of RPGRIP1-related conditions (PMID: 17964524, 36369640; internal data). This variant is also known as IVS15+1G>A. ClinVar contains an entry for this variant (Variation ID: 850156). Algorithms developed to predict the effect of sequence changes on RNA splicing suggest that this variant may disrupt the consensus splice site. For these reasons, this variant has been classified as Pathogenic.

CeGaT Center for Human Genetics Tuebingen
Classification: Pathogenic. Last evaluated: 2024-08-01. Review status: criteria provided, single submitter. Criteria: CeGaT Center For Human Genetics Tuebingen Variant Classification Criteria Version 2. Collection method: clinical testing. Allele origin: germline. Affected: yes. Observed: 1 variant allele.
Comment: RPGRIP1: PVS1, PM2, PM3

Literature cited by the submitters: PubMed 16199547 (cited by Labcorp Genetics (formerly Invitae), Labcorp); PubMed 11528500 (cited by Labcorp Genetics (formerly Invitae), Labcorp); PubMed 23105016 (cited by Labcorp Genetics (formerly Invitae), Labcorp); PubMed 17964524 (cited by Labcorp Genetics (formerly Invitae), Labcorp); PubMed 36369640 (cited by Labcorp Genetics (formerly Invitae), Labcorp).

NM_020366.4(RPGRIP1):c.2367+1G>A

Gene: RPGRIP1 (RPGR interacting protein 1; plus strand). Cytogenetic location: 14q11.2.
Variant type: single nucleotide variant.
Coding change: c.2367+1G>A on transcript NM_020366.4 (MANE Select); the canonical splice donor site of the intron after coding-DNA position 2367, G replaced by A.
Molecular consequence: splice donor variant. On other transcripts: intron variant (4).
Genome position (GRCh38, 1-based): chr14:21,325,384, G>A. VCF-style: chr14-21325384-G-A. GRCh37 (hg19) VCF-style: chr14-21793543-G-A.
Other names: c.1293+1G>A (NM_001377948.1); c.796+659G>A (NM_001377949.1); c.689-2239G>A (NM_001377523.1, NM_001377950.1); c.191-2239G>A (NM_001377951.1).
Identifiers: ClinVar variation 850156 (VCV000850156.26), dbSNP rs1882968821, ClinGen allele CA388868708.